The following is an entry in ClinVar:

NM_000395.3(CSF2RB):c.2545A>G (p.Lys849Glu)

Gene: CSF2RB (colony stimulating factor 2 receptor subunit beta; plus strand). Cytogenetic location: 22q12.3.
Variant type: single nucleotide variant.
Coding change: c.2545A>G on transcript NM_000395.3 (MANE Select); coding-DNA position 2545, A replaced by G.
Protein change: p.Lys849Glu; replaces lysine 849 with glutamic acid.
Molecular consequence: missense variant.
Genome position (GRCh38, 1-based): chr22:36,938,353, A>G. VCF-style: chr22-36938353-A-G. GRCh37 (hg19) VCF-style: chr22-37334395-A-G.
Other names: short protein forms K849E.
Identifiers: ClinVar variation 1472456 (VCV001472456.8), dbSNP rs1444823773, ClinGen allele CA411411703.

ClinVar aggregate classification (germline): Uncertain significance (1 of 4 stars; one submission).

Allele frequency attached by ClinVar (database versions not stated): gnomAD exomes below 0.00001 and 0.00001; TOPMed 0.00001.
gnomAD v4.1: 6 of 1,614,146 alleles (0.00037%); highest among the groups gnomAD compares: East Asian, 0.0022%; no homozygotes.

Submission:

Labcorp Genetics (formerly Invitae), Labcorp
Classification: Uncertain significance. Last evaluated: 2021-05-06. Review status: criteria provided, single submitter. Criteria: Invitae Variant Classification Sherloc (09022015). Collection method: clinical testing. Allele origin: germline.
Comment: This variant is not present in population databases (ExAC no frequency). In summary, the available evidence is currently insufficient to determine the role of this variant in disease. Therefore, it has been classified as a Variant of Uncertain Significance. Algorithms developed to predict the effect of missense changes on protein structure and function output the following: SIFT: "Tolerated"; PolyPhen-2: "Benign"; Align-GVGD: "Class C0". The glutamic acid amino acid residue is found in multiple mammalian species, suggesting that this missense change does not adversely affect protein function. These predictions have not been confirmed by published functional studies and their clinical significance is uncertain. This variant has not been reported in the literature in individuals with CSF2RB-related conditions. This sequence change replaces lysine with glutamic acid at codon 849 of the CSF2RB protein (p.Lys849Glu). The lysine residue is weakly conserved and there is a small physicochemical difference between lysine and glutamic acid.